The following is an entry in ClinVar:

ClinVar aggregate classification (germline): Pathogenic (1 of 4 stars; one submission).

Conditions:
2-aminoadipic 2-oxoadipic aciduria (AAKAD). Also called: Aminoadipic aciduria; ALPHA-AMINOADIPIC AND ALPHA-KETOADIPIC ACIDURIA. Identifiers: Orphanet 79154, MedGen C1859817, MONDO:0008774, OMIM 204750.

Submission:

Labcorp Genetics (formerly Invitae), Labcorp
Classification: Pathogenic for 2-aminoadipic 2-oxoadipic aciduria. Last evaluated: 2021-06-11. Review status: criteria provided, single submitter. Criteria: Invitae Variant Classification Sherloc (09022015). Collection method: clinical testing. Allele origin: germline.
Comment: For these reasons, this variant has been classified as Pathogenic. This variant has not been reported in the literature in individuals with DHTKD1-related conditions. This variant is not present in population databases (ExAC no frequency). This sequence change creates a premature translational stop signal (p.Glu821Ilefs*8) in the DHTKD1 gene. It is expected to result in an absent or disrupted protein product. Loss-of-function variants in DHTKD1 are known to be pathogenic (PMID: 23141293, 25860818).

Literature cited by the submitters: PubMed 23141293; PubMed 25860818.

NM_018706.7(DHTKD1):c.2461_2462del (p.Glu821fs)

Gene: DHTKD1 (dehydrogenase E1 and transketolase domain containing 1; plus strand). Cytogenetic location: 10p14.
Variant type: Microsatellite.
Coding change: c.2461_2462del on transcript NM_018706.7 (MANE Select); coding-DNA positions 2461 to 2462, 2 bases deleted (GA; older notation c.2461_2462delGA).
Protein change: p.Glu821fs; shifts the reading frame from glutamic acid 821.
Molecular consequence: frameshift variant.
Genome position (GRCh38, 1-based): chr10:12,118,807-12,118,808, GA deleted; deleting any 2 consecutive bases within chr10:12,118,804-12,118,808 gives the same sequence; the c. name uses the placement nearest the transcript's 3' end. VCF-style (leftmost placement, unchanged base first): chr10-12118803-AAG-A. GRCh37 (hg19) VCF-style: chr10-12160802-AAG-A.
Other names: short protein forms E821fs.
Identifiers: ClinVar variation 1455780 (VCV001455780.6), dbSNP rs2131629002, ClinGen allele CA2580615430.